The following is an entry in ClinVar:

ClinVar aggregate classification (germline): Uncertain significance (1 of 4 stars; one submission).

Allele frequency attached by ClinVar (database versions not stated): gnomAD 0.00003; TOPMed 0.00003.
gnomAD v4.1: 4 of 1,613,774 alleles (0.00025%); highest among the groups gnomAD compares: African/African-American, 0.004%; no homozygotes.

Submission:

Labcorp Genetics (formerly Invitae), Labcorp
Classification: Uncertain significance. Last evaluated: 2025-03-17. Review status: criteria provided, single submitter. Criteria: Invitae Variant Classification Sherloc (09022015). Collection method: clinical testing. Allele origin: germline.
Comment: This sequence change replaces serine, which is neutral and polar, with glycine, which is neutral and non-polar, at codon 113 of the KMT2E protein (p.Ser113Gly). This variant is present in population databases (no rsID available, gnomAD 0.01%). This variant has not been reported in the literature in individuals affected with KMT2E-related conditions. ClinVar contains an entry for this variant (Variation ID: 2791754). Invitae Evidence Modeling of protein sequence and biophysical properties (such as structural, functional, and spatial information, amino acid conservation, physicochemical variation, residue mobility, and thermodynamic stability) indicates that this missense variant is not expected to disrupt KMT2E protein function with a negative predictive value of 80%. In summary, the available evidence is currently insufficient to determine the role of this variant in disease. Therefore, it has been classified as a Variant of Uncertain Significance.

NM_182931.3(KMT2E):c.337A>G (p.Ser113Gly)

Gene: KMT2E (lysine methyltransferase 2E (inactive); plus strand). Cytogenetic location: 7q22.3.
Variant type: single nucleotide variant.
Coding change: c.337A>G on transcript NM_182931.3 (MANE Select); coding-DNA position 337, A replaced by G.
Protein change: p.Ser113Gly; replaces serine 113 with glycine.
Molecular consequence: missense variant.
Genome position (GRCh38, 1-based): chr7:105,063,501, A>G. VCF-style: chr7-105063501-A-G. GRCh37 (hg19) VCF-style: chr7-104703948-A-G.
Other names: c.337A>G, p.Ser113Gly (NM_001410908.1, NM_018682.4); short protein forms S113G.
Identifiers: ClinVar variation 2791754 (VCV002791754.3), dbSNP rs1481079426, ClinGen allele CA368774665.